The following is an entry in ClinVar:

ClinVar aggregate classification (germline): Likely pathogenic (0 of 4 stars; one submission).

Conditions:
LEPR-related disorder. Also called: LEPR-related condition; LEPR-related disorders.

gnomAD v4.1: 9 of 1,613,666 alleles (0.00056%); highest among the groups gnomAD compares: Non-Finnish European, 0.00068%; no homozygotes.

Submission:

PreventionGenetics, part of Exact Sciences
Classification: Likely pathogenic for LEPR-related condition. Last evaluated: 2024-06-11. Review status: no assertion criteria provided. Collection method: clinical testing. Allele origin: germline.
Comment: The LEPR c.1265A>T variant is predicted to result in the amino acid substitution p.Tyr422Phe. This variant was observed in a cohort of individuals with obesity, and in vitro functional studies show strong evidence of loss of function (Table 3 and Supplemental Data Set. Shah et al. 2023. PubMed ID: 36864747). This variant is reported in 0.00089% of alleles in individuals of European (non-Finnish) descent in gnomAD. A different amino acid substitution affecting the same residue (p.Tyr422His) has also been reported in the compound heterozygous state in two siblings with severe obesity (Huvenne et al. 2015. PubMed ID: 25751111). This variant is interpreted as likely pathogenic.

NM_002303.6(LEPR):c.1265A>T (p.Tyr422Phe)

Gene: LEPR (leptin receptor; plus strand). Cytogenetic location: 1p31.3.
Variant type: single nucleotide variant.
Coding change: c.1265A>T on transcript NM_002303.6 (MANE Select); coding-DNA position 1265, A replaced by T.
Protein change: p.Tyr422Phe; replaces tyrosine 422 with phenylalanine.
Molecular consequence: missense variant.
Genome position (GRCh38, 1-based): chr1:65,601,662, A>T. VCF-style: chr1-65601662-A-T. GRCh37 (hg19) VCF-style: chr1-66067345-A-T.
Other names: c.1265A>T, p.Tyr422Phe (NM_001003679.3, NM_001003680.3, NM_001198687.2 and 2 more transcripts); short protein forms Y422F.
Identifiers: ClinVar variation 3355139 (VCV003355139.1).